The following is an entry in ClinVar:

NM_198578.4(LRRK2):c.3770T>C (p.Leu1257Pro)

Gene: LRRK2 (leucine rich repeat kinase 2; plus strand). Cytogenetic location: 12q12.
Variant type: single nucleotide variant.
Coding change: c.3770T>C on transcript NM_198578.4 (MANE Select); coding-DNA position 3770, T replaced by C.
Protein change: p.Leu1257Pro; replaces leucine 1257 with proline.
Molecular consequence: missense variant.
Genome position (GRCh38, 1-based): chr12:40,304,127, T>C. VCF-style: chr12-40304127-T-C. GRCh37 (hg19) VCF-style: chr12-40697929-T-C.
Other names: short protein forms L1257P.
Identifiers: ClinVar variation 1734769 (VCV001734769.2), dbSNP rs1944724344, ClinGen allele CA384416920.
Genomic context (GRCh38, chr12:40,304,127, plus strand): 5'-TGAGTGAAAAAGCATATTTATGGTCTAGAGTAGAGAAACTGCATCTTTCTCACAATAAAC[T>C]GAAAGAGGTAAGACGATTATTGCCACTTAAAAAATATACTTTATGATTTGCATCATTACA-3'
Protein context (NP_940980.4, residues 1247-1267): VEKLHLSHNK[Leu1257Pro]KEIPPEIGCL

ClinVar aggregate classification (germline): Uncertain significance (1 of 4 stars; one submission).

Conditions:
Inborn genetic diseases. Identifiers: MedGen C0950123, MeSH D030342.

Allele frequency attached by ClinVar (database versions not stated): gnomAD exomes below 0.00001.
gnomAD v4.1: 1 of 1,612,626 alleles (0.000062%); highest among the groups gnomAD compares: African/African-American, 0.0013%; no homozygotes.

Submission:

Ambry Genetics
Classification: Uncertain significance for Inborn genetic diseases. Last evaluated: 2022-01-26. Review status: criteria provided, single submitter. Criteria: Ambry Variant Classification Scheme 2023. Collection method: clinical testing. Allele origin: germline.
Comment: The p.L1257P variant (also known as c.3770T>C), located in coding exon 27 of the LRRK2 gene, results from a T to C substitution at nucleotide position 3770. The leucine at codon 1257 is replaced by proline, an amino acid with similar properties. This amino acid position is conserved. In addition, this alteration is predicted to be deleterious by in silico analysis. Since supporting evidence is limited at this time, the clinical significance of this alteration remains unclear.